The following is an entry in ClinVar:

NM_022356.4(P3H1):c.2055+112G>A

Gene: P3H1 (prolyl 3-hydroxylase 1; minus strand). Cytogenetic location: 1p34.2.
Variant type: single nucleotide variant.
Coding change: c.2055+112G>A on transcript NM_022356.4 (MANE Select); 112 bases into the intron after coding-DNA position 2055, G replaced by A.
Molecular consequence: intron variant. On other transcripts: missense variant (1).
Genome position (GRCh38, 1-based): chr1:42,747,160, C>T on the plus strand (G>A on the coding strand, the complement: P3H1 is on the minus strand). VCF-style: chr1-42747160-C-T. GRCh37 (hg19) VCF-style: chr1-43212831-C-T.
Other names: c.2167G>A, p.Glu723Lys (NM_001243246.2); c.2074+93G>A (NM_001146289.2); short protein forms E723K.
Identifiers: ClinVar variation 1049492 (VCV001049492.3), dbSNP rs146002380, ClinGen allele CA801577.

ClinVar aggregate classification (germline): Conflicting classifications of pathogenicity. Review status: criteria provided, conflicting classifications (1 of 4 stars). 3 submissions from 3 submitters: Uncertain significance (1); Likely benign (1). 1 of the submissions does not count toward it. Last evaluated 2026-02-20.

Allele frequency attached by ClinVar (database versions not stated): 1000 Genomes Project 30x 0.00031; ExAC 0.00039; 1000 Genomes Project 0.00040; gnomAD 0.00041 and 0.00042; gnomAD exomes 0.00043 and 0.00071; TOPMed 0.00051; ESP Exome Variant Server 0.00069.
gnomAD v4.1: 1,118 of 1,614,168 alleles (0.069%); highest among the groups gnomAD compares: Non-Finnish European, 0.085%; no homozygotes.

Submissions (3):

GeneDx
Classification: Uncertain significance. Last evaluated: 2026-02-20. Review status: criteria provided, single submitter. Criteria: GeneDx Variant Classification Process June 2021. Collection method: clinical testing. Allele origin: germline.
Comment: In silico analysis suggests that this variant does not alter splicing; Has not been previously published as pathogenic or benign to our knowledge; Reported using an alternate transcript of the gene

Blueprint Genetics
Classification: Likely benign. Last evaluated: 2024-11-26. Review status: criteria provided, single submitter. Criteria: ACMG Guidelines, 2015. Collection method: clinical testing. Allele origin: germline.

Department of Pathology and Laboratory Medicine, Sinai Health System
Classification: Likely benign. Review status: no assertion criteria provided. Collection method: clinical testing. Allele origin: unknown. Affected: yes. Study: The Canadian Open Genetics Repository (COGR). Not counted in ClinVar's aggregate classification.
Comment: The P3H1 p.Glu723Lys variant was not identified in the literature nor was it identified in ClinVar or LOVD 3.0. The variant was identified in dbSNP (ID: rs146002380) and was also identified in control databases in 119 of 281154 chromosomes at a frequency of 0.000423 increasing the likelihood this could be a low frequency benign variant (Genome Aggregation Database March 6, 2019, v2.1.1). The variant was observed in the following populations: European (non-Finnish) in 96 of 127492 chromosomes (freq: 0.000753), Other in 4 of 7220 chromosomes (freq: 0.000554), Latino in 13 of 35434 chromosomes (freq: 0.000367), African in 3 of 24968 chromosomes (freq: 0.00012) and South Asian in 3 of 30616 chromosomes (freq: 0.000098), but was not observed in the Ashkenazi Jewish, East Asian or European (Finnish) populations. The p.Glu723 residue is not conserved in mammals and computational analyses (PolyPhen-2, SIFT, AlignGVGD, BLOSUM, MutationTaster) do not suggest a high likelihood of impact to the protein; however, this information is not predictive enough to rule out pathogenicity. The variant occurs outside of the splicing consensus sequence and in silico or computational prediction software programs (SpliceSiteFinder, MaxEntScan, NNSPLICE, GeneSplicer) do not predict a difference in splicing. In summary, based on the above information the clinical significance of this variant cannot be determined with certainty at this time although we would lean towards a more benign role for this variant. This variant is classified as likely benign.